The following is an entry in ClinVar:

ClinVar aggregate classification (germline): Uncertain significance. Review status: criteria provided, multiple submitters, no conflicts (2 of 4 stars). 2 submissions from 2 submitters: Uncertain significance (2). Last evaluated 2022-06-03.

Conditions:
Norman-Roberts syndrome (LIS2). Also called: Lissencephaly 2 (Norman-Roberts type). Identifiers: Orphanet 89844, MedGen C0796089, MONDO:0009760, OMIM 257320.
Familial temporal lobe epilepsy 7. Identifiers: Orphanet 101046, MedGen C4225327, MONDO:0014639, OMIM 616436.
Inborn genetic diseases. Identifiers: MedGen C0950123, MeSH D030342.

Allele frequency attached by ClinVar (database versions not stated): gnomAD exomes below 0.00001.

Submissions (2):

Ambry Genetics
Classification: Uncertain significance for Inborn genetic diseases. Last evaluated: 2022-06-03. Review status: criteria provided, single submitter. Criteria: Ambry Variant Classification Scheme 2023. Collection method: clinical testing. Allele origin: germline.
Comment: The c.3955_3957dupGTT (p.V1319dup) alteration is located in exon 28 (coding exon 28) of the RELN gene. The alteration consists of an in-frame duplication of 3 nucleotides from position 3955 to 3957, resulting in the duplication of <NA> residues. Based on insufficient or conflicting evidence, the clinical significance of this alteration remains unclear.

Labcorp Genetics (formerly Invitae), Labcorp
Classification: Uncertain significance for Epilepsy, familial temporal lobe, 7; Norman-Roberts syndrome. Last evaluated: 2019-08-15. Review status: criteria provided, single submitter. Criteria: Invitae Variant Classification Sherloc (09022015). Collection method: clinical testing. Allele origin: germline.
Comment: This variant, c.3955_3957dup, results in the insertion of 1 amino acid(s) to the RELN protein (p.Val1319dup), but otherwise preserves the integrity of the reading frame. This variant is not present in population databases (ExAC no frequency). This variant has not been reported in the literature in individuals with RELN-related conditions. Experimental studies and prediction algorithms are not available or were not evaluated for this variant, and the functional significance of this variant is currently unknown. In summary, the available evidence is currently insufficient to determine the role of this variant in disease. Therefore, it has been classified as a Variant of Uncertain Significance.

NM_005045.4(RELN):c.3955_3957dup (p.Val1319dup)

Gene: RELN (reelin; minus strand). Cytogenetic location: 7q22.1.
Variant type: Duplication.
Coding change: c.3955_3957dup on transcript NM_005045.4 (MANE Select); coding-DNA positions 3955 to 3957, 3 bases duplicated (GTT; older notation c.3955_3957dupGTT).
Protein change: p.Val1319dup; duplicates valine 1319.
Molecular consequence: inframe insertion.
Genome position (GRCh38, 1-based): chr7:103,589,784-103,589,786, AAC duplicated on the plus strand (GTT on the coding strand, the reverse complement: RELN is on the minus strand). VCF-style (leftmost placement, unchanged base first): chr7-103589783-G-GAAC. GRCh37 (hg19) VCF-style: chr7-103230230-G-GAAC.
Other names: c.3955_3957dup, p.Val1319dup (NM_173054.3); c.3955_3957dupGTT (NM_005045.3).
Identifiers: ClinVar variation 940903 (VCV000940903.3), dbSNP rs1831367827, ClinGen allele CA1139660168.
Genomic context (GRCh38, chr7:103,589,783, plus strand): 5'-GGTAACAGCCTTCTTTCACCAGAAACCAGGACATACCAGCATCATGAGAGTACTGAAGAA[G>GAAC]AACTGGAGCAGTACTGCTGAATTGATTGGCACAACCTATGTTTAGCTGTTAAAAGGAAGG-3'